The following is an entry in ClinVar:

ClinVar aggregate classification (germline): Uncertain significance (1 of 4 stars; one submission).

Conditions:
Primary immunodeficiency with post-measles-mumps-rubella vaccine viral infection. Also called: Immunodeficiency 44. Identifiers: Orphanet 431166, MedGen C4225260, MONDO:0014715, OMIM 616636.

Submission:

Labcorp Genetics (formerly Invitae), Labcorp
Classification: Uncertain significance for Primary immunodeficiency with post-measles-mumps-rubella vaccine viral infection. Last evaluated: 2021-12-13. Review status: criteria provided, single submitter. Criteria: Invitae Variant Classification Sherloc (09022015). Collection method: clinical testing. Allele origin: germline.
Comment: In summary, the available evidence is currently insufficient to determine the role of this variant in disease. Therefore, it has been classified as a Variant of Uncertain Significance. Algorithms developed to predict the effect of missense changes on protein structure and function (SIFT, PolyPhen-2, Align-GVGD) all suggest that this variant is likely to be tolerated. This variant has not been reported in the literature in individuals affected with STAT2-related conditions. This variant is present in population databases (no rsID available, gnomAD 0.003%). This sequence change replaces methionine, which is neutral and non-polar, with valine, which is neutral and non-polar, at codon 155 of the STAT2 protein (p.Met155Val).

NM_005419.4(STAT2):c.463A>G (p.Met155Val)

Gene: STAT2 (signal transducer and activator of transcription 2; minus strand). Cytogenetic location: 12q13.3.
Variant type: single nucleotide variant.
Coding change: c.463A>G on transcript NM_005419.4 (MANE Select); coding-DNA position 463, A replaced by G.
Protein change: p.Met155Val; replaces methionine 155 with valine.
Molecular consequence: missense variant.
Genome position (GRCh38, 1-based): chr12:56,355,451, T>C on the plus strand (A>G on the coding strand, the complement: STAT2 is on the minus strand). VCF-style: chr12-56355451-T-C. GRCh37 (hg19) VCF-style: chr12-56749235-T-C.
Other names: c.451A>G, p.Met151Val (NM_001385110.1, NM_001385115.1, NM_198332.2); c.463A>G, p.Met155Val (NM_001385111.1, NM_001385113.1, NM_001385114.1); short protein forms M151V, M155V.
Identifiers: ClinVar variation 1895471 (VCV001895471.5), dbSNP rs1473365042, ClinGen allele CA385263264.